The following is an entry in ClinVar:

NM_014915.3(ANKRD26):c.1010C>A (p.Thr337Asn)

Gene: ANKRD26 (ankyrin repeat domain 26; minus strand). Cytogenetic location: 10p12.1.
Variant type: single nucleotide variant.
Coding change: c.1010C>A on transcript NM_014915.3 (MANE Select); coding-DNA position 1010, C replaced by A.
Protein change: p.Thr337Asn; replaces threonine 337 with asparagine.
Molecular consequence: missense variant.
Genome position (GRCh38, 1-based): chr10:27,077,405, G>T on the plus strand (C>A on the coding strand, the complement: ANKRD26 is on the minus strand). VCF-style: chr10-27077405-G-T. GRCh37 (hg19) VCF-style: chr10-27366334-G-T.
Other names: c.1010C>A, p.Thr337Asn (NM_001256053.2); short protein forms T337N.
Identifiers: ClinVar variation 5023003 (VCV005023003.1).

ClinVar aggregate classification (germline): Uncertain significance (1 of 4 stars; one submission).

Conditions:
Inborn genetic diseases. Identifiers: MedGen C0950123, MeSH D030342.

Submission:

Ambry Genetics
Classification: Uncertain significance for Inborn genetic diseases. Last evaluated: 2026-07-12. Review status: criteria provided, single submitter. Criteria: Ambry Variant Classification Scheme 2023. Collection method: clinical testing. Allele origin: germline.
Comment: The p.T337N variant (also known as c.1010C>A), located in coding exon 9 of the ANKRD26 gene, results from a C to A substitution at nucleotide position 1010. The threonine at codon 337 is replaced by asparagine, an amino acid with similar properties. This amino acid position is conserved. In addition, this alteration is predicted to be tolerated by in silico analysis. Based on the available evidence, the clinical significance of this variant remains unclear.